The following is an entry in ClinVar:

ClinVar aggregate classification (germline): Uncertain significance (1 of 4 stars; one submission).

Submission:

GeneDx
Classification: Uncertain significance. Last evaluated: 2024-05-01. Review status: criteria provided, single submitter. Criteria: GeneDx Variant Classification Process June 2021. Collection method: clinical testing. Allele origin: germline. Affected: yes.
Comment: Not observed at significant frequency in large population cohorts (gnomAD); In silico analysis supports that this missense variant has a deleterious effect on protein structure/function; Has not been previously published as pathogenic or benign to our knowledge

NM_001007553.3(CSDE1):c.771T>A (p.Asp257Glu)

Gene: CSDE1 (cold shock domain containing E1; minus strand). Cytogenetic location: 1p13.2.
Variant type: single nucleotide variant.
Coding change: c.771T>A on transcript NM_001007553.3 (MANE Select); coding-DNA position 771, T replaced by A.
Protein change: p.Asp257Glu; replaces aspartic acid 257 with glutamic acid.
Molecular consequence: missense variant.
Genome position (GRCh38, 1-based): chr1:114,733,798, A>T on the plus strand (T>A on the coding strand, the complement: CSDE1 is on the minus strand). VCF-style: chr1-114733798-A-T. GRCh37 (hg19) VCF-style: chr1-115276419-A-T.
Other names: c.816T>A, p.Asp272Glu (NM_001130523.3); c.909T>A, p.Asp303Glu (NM_001242891.2); c.771T>A, p.Asp257Glu (NM_001242892.2); c.678T>A, p.Asp226Glu (NM_001242893.2, NM_007158.6); short protein forms D226E, D257E, D272E, D303E.
Identifiers: ClinVar variation 3373388 (VCV003373388.1).